The following is an entry in ClinVar:

ClinVar aggregate classification (germline): Pathogenic. Review status: criteria provided, multiple submitters, no conflicts (2 of 4 stars). 2 submissions from 2 submitters: Pathogenic (2). Last evaluated 2023-12-05.

Conditions:
Usher syndrome type 1 (USH1). Also called: RETINITIS PIGMENTOSA AND CONGENITAL DEAFNESS. Identifiers: Orphanet 231169, Orphanet 886, MedGen C1568247, MONDO:0010168, OMIM 276900.

Submissions (2):

Labcorp Genetics (formerly Invitae), Labcorp
Classification: Pathogenic. Last evaluated: 2023-12-05. Review status: criteria provided, single submitter. Criteria: Invitae Variant Classification Sherloc (09022015). Collection method: clinical testing. Allele origin: germline.
Comment: This sequence change creates a premature translational stop signal (p.Ala226Argfs*8) in the MYO7A gene. It is expected to result in an absent or disrupted protein product. Loss-of-function variants in MYO7A are known to be pathogenic (PMID: 8900236, 25404053). This variant is not present in population databases (gnomAD no frequency). This variant has not been reported in the literature in individuals affected with MYO7A-related conditions. For these reasons, this variant has been classified as Pathogenic.

Myriad Genetics, Inc.
Classification: Pathogenic for Usher syndrome type 1. Last evaluated: 2023-09-27. Review status: criteria provided, single submitter. Criteria: Myriad Autosomal Dominant, Autosomal Recessive and X-Linked Classification Criteria (2023). Collection method: clinical testing. Allele origin: unknown.
Comment: NM_000260.3(MYO7A):c.674dupG(A226Rfs*8) is expected to be pathogenic in the context of MYO7A-related disorders. This variant is predicted to lead to an abnormal or absent protein product due to the creation of a premature termination codon in MYO7A, a gene where loss-of-function variants are known to be pathogenic. Please note: this variant was assessed in the context of healthy population screening.

Literature cited by the submitters: PubMed 8900236 (cited by Labcorp Genetics (formerly Invitae), Labcorp); PubMed 25404053 (cited by Labcorp Genetics (formerly Invitae), Labcorp).

NM_000260.4(MYO7A):c.674dup (p.Ala226fs)

Gene: MYO7A (myosin VIIA; plus strand). Cytogenetic location: 11q13.5.
Variant type: Duplication.
Coding change: c.674dup on transcript NM_000260.4 (MANE Select); coding-DNA position 674, one base duplicated (G; older notation c.674dupG).
Protein change: p.Ala226fs; shifts the reading frame from alanine 226.
Molecular consequence: frameshift variant.
Genome position (GRCh38, 1-based): chr11:77,156,943, G duplicated; the last of 4 consecutive G bases (chr11:77,156,940-77,156,943); duplicating any one gives the same sequence. VCF-style (leftmost placement, unchanged base first): chr11-77156939-C-CG. GRCh37 (hg19) VCF-style: chr11-76867985-C-CG.
Other names: c.674dup, p.Ala226fs (NM_001127180.2); c.641dup, p.Ala215fs (NM_001369365.1); short protein forms A215fs, A226fs.
Identifiers: ClinVar variation 2701057 (VCV002701057.4), dbSNP rs2496750905, ClinGen allele CA2697548811.